The following is an entry in ClinVar:

ClinVar aggregate classification (germline): Uncertain significance (1 of 4 stars; one submission).

Conditions:
Neuroblastoma, susceptibility to, 3. Also called: ALK-Related Neuroblastic Tumor Susceptibility. Identifiers: Orphanet 635, MedGen C2751681, MONDO:0013083, OMIM 613014.

Allele frequency attached by ClinVar (database versions not stated): gnomAD exomes below 0.00001; ExAC 0.00001.
gnomAD v4.1: 1 of 1,614,128 alleles (0.000062%); highest among the groups gnomAD compares: Non-Finnish European, 0.000085%; no homozygotes.

Submission:

Labcorp Genetics (formerly Invitae), Labcorp
Classification: Uncertain significance for Neuroblastoma, susceptibility to, 3. Last evaluated: 2020-08-15. Review status: criteria provided, single submitter. Criteria: Invitae Variant Classification Sherloc (09022015). Collection method: clinical testing. Allele origin: germline.
Comment: In summary, the available evidence is currently insufficient to determine the role of this variant in disease. Therefore, it has been classified as a Variant of Uncertain Significance. Algorithms developed to predict the effect of missense changes on protein structure and function (SIFT, PolyPhen-2, Align-GVGD) all suggest that this variant is likely to be tolerated, but these predictions have not been confirmed by published functional studies and their clinical significance is uncertain. This variant has not been reported in the literature in individuals with ALK-related conditions. This variant is present in population databases (rs759935726, ExAC 0.001%). This sequence change replaces serine with threonine at codon 1104 of the ALK protein (p.Ser1104Thr). The serine residue is highly conserved and there is a small physicochemical difference between serine and threonine.

NM_004304.5(ALK):c.3310T>A (p.Ser1104Thr)

Gene: ALK (ALK receptor tyrosine kinase; minus strand). Cytogenetic location: 2p23.2.
Variant type: single nucleotide variant.
Coding change: c.3310T>A on transcript NM_004304.5 (MANE Select); coding-DNA position 3310, T replaced by A.
Protein change: p.Ser1104Thr; replaces serine 1104 with threonine.
Molecular consequence: missense variant.
Genome position (GRCh38, 1-based): chr2:29,223,391, A>T on the plus strand (T>A on the coding strand, the complement: ALK is on the minus strand). VCF-style: chr2-29223391-A-T. GRCh37 (hg19) VCF-style: chr2-29446257-A-T.
Other names: c.106T>A, p.Ser36Thr (NM_001353765.2); short protein forms S1104T, S36T.
Identifiers: ClinVar variation 1004861 (VCV001004861.8), dbSNP rs759935726, ClinGen allele CA1594009.